The following is an entry in ClinVar:

ClinVar aggregate classification (germline): Uncertain significance. Review status: criteria provided, multiple submitters, no conflicts (2 of 4 stars). 2 submissions from 2 submitters: Uncertain significance (2). Last evaluated 2024-07-29.

Conditions:
Alstrom syndrome (ALMS). Identifiers: Orphanet 64, MedGen C0268425, MONDO:0008763, OMIM 203800.

Allele frequency attached by ClinVar (database versions not stated): gnomAD exomes below 0.00001.

Submissions (2):

GeneDx
Classification: Uncertain significance. Last evaluated: 2024-07-29. Review status: criteria provided, single submitter. Criteria: GeneDx Variant Classification Process June 2021. Collection method: clinical testing. Allele origin: germline. Affected: yes.
Comment: Not observed at significant frequency in large population cohorts (gnomAD); In silico analysis indicates that this missense variant does not alter protein structure/function; Has not been previously published as pathogenic or benign to our knowledge

Labcorp Genetics (formerly Invitae), Labcorp
Classification: Uncertain significance for Alstrom syndrome. Last evaluated: 2021-05-11. Review status: criteria provided, single submitter. Criteria: Invitae Variant Classification Sherloc (09022015). Collection method: clinical testing. Allele origin: germline.
Comment: This sequence change replaces proline with threonine at codon 1848 of the ALMS1 protein (p.Pro1848Thr). The proline residue is weakly conserved and there is a small physicochemical difference between proline and threonine. This variant is not present in population databases (ExAC no frequency). This variant has not been reported in the literature in individuals with ALMS1-related conditions. Experimental studies and prediction algorithms are not available or were not evaluated, and the functional significance of this variant is currently unknown. In summary, the available evidence is currently insufficient to determine the role of this variant in disease. Therefore, it has been classified as a Variant of Uncertain Significance.

NM_001378454.1(ALMS1):c.5539C>A (p.Pro1847Thr)

Gene: ALMS1 (ALMS1 centrosome and basal body associated protein; plus strand). Cytogenetic location: 2p13.1.
Variant type: single nucleotide variant.
Coding change: c.5539C>A on transcript NM_001378454.1 (MANE Select); coding-DNA position 5539, C replaced by A.
Protein change: p.Pro1847Thr; replaces proline 1847 with threonine.
Molecular consequence: missense variant.
Genome position (GRCh38, 1-based): chr2:73,452,066, C>A. VCF-style: chr2-73452066-C-A. GRCh37 (hg19) VCF-style: chr2-73679193-C-A.
Other names: c.5542C>A, p.Pro1848Thr (NM_015120.4); short protein forms P1847T, P1848T.
Identifiers: ClinVar variation 1448853 (VCV001448853.4), dbSNP rs752756030, ClinGen allele CA50396776.